The following is an entry in ClinVar:

NM_001035.3(RYR2):c.7806_7808delinsTGA (p.Ala2603Glu)

Gene: RYR2 (ryanodine receptor 2; plus strand). Cytogenetic location: 1q43.
Variant type: Indel.
Coding change: c.7806_7808delinsTGA on transcript NM_001035.3 (MANE Select); coding-DNA positions 7806 to 7808, CGC replaced by TGA.
Protein change: p.Ala2603Glu; replaces alanine 2603 with glutamic acid.
Molecular consequence: missense variant.
Genome position (GRCh38, 1-based): chr1:237,651,483-237,651,485, CGC replaced by TGA. VCF-style: chr1-237651483-CGC-TGA. GRCh37 (hg19) VCF-style: chr1-237814783-CGC-TGA.
Other names: short protein forms A2603E.
Identifiers: ClinVar variation 922253 (VCV000922253.4), dbSNP rs1682725144, ClinGen allele CA1139656698.

ClinVar aggregate classification (germline): Uncertain significance (1 of 4 stars; one submission).

Conditions:
Cardiomyopathy (CMYO). Also called: Cardiomyopathies. Identifiers: Orphanet 167848, MedGen C0878544, MONDO:0004994, HP:0001638. Inheritance: Various modes of inheritance.

Submission:

Color Diagnostics, LLC DBA Color Health
Classification: Uncertain significance for Cardiomyopathy. Last evaluated: 2024-03-06. Review status: criteria provided, single submitter. Criteria: ACMG Guidelines, 2015. Collection method: clinical testing. Allele origin: germline.
Comment: This missense variant replaces alanine with glutamic acid at codon 2603 of the RYR2 protein. Computational prediction suggests that this variant may have deleterious impact on protein structure and function (internally defined REVEL score threshold >= 0.7, PMID: 27666373). Splice site prediction tools suggest that this variant may not impact RNA splicing. To our knowledge, functional studies have not been performed for this variant. This variant has not been reported in individuals affected with cardiovascular disorders in the literature. This variant has not been identified in the general population by the Genome Aggregation Database (gnomAD). The available evidence is insufficient to determine the role of this variant in disease conclusively. Therefore, this variant is classified as a Variant of Uncertain Significance.